The following is an entry in ClinVar:

ClinVar aggregate classification (germline): Pathogenic/Likely pathogenic. Review status: criteria provided, multiple submitters, no conflicts (2 of 4 stars). 4 submissions from 4 submitters: Pathogenic (3); Likely pathogenic (1). Last evaluated 2025-09-17.

Conditions:
Hereditary cancer-predisposing syndrome. Also called: Tumor predisposition; Hereditary Cancer Syndrome; Neoplastic Syndromes, Hereditary; Hereditary neoplastic syndrome. Identifiers: Orphanet 140162, MedGen C0027672, MeSH D009386, MONDO:0015356.
Hereditary nonpolyposis colorectal neoplasms. Identifiers: MedGen C0009405, MeSH D003123.
Lynch syndrome 5 (LYNCH5). Also called: Colorectal cancer, hereditary nonpolyposis, type 5; Hereditary non-polyposis colorectal cancer, type 5. Identifiers: Orphanet 144, MedGen C1833477, MONDO:0013710, OMIM 614350. Disease mechanism: loss of function.

Submissions (4):

Ambry Genetics
Classification: Pathogenic for Hereditary cancer-predisposing syndrome. Last evaluated: 2025-09-17. Review status: criteria provided, single submitter. Criteria: Ambry Variant Classification Scheme 2023. Collection method: clinical testing. Allele origin: germline.
Comment: The c.2831_2835delTAAGA pathogenic mutation, located in coding exon 4 of the MSH6 gene, results from a deletion of 5 nucleotides at nucleotide positions 2831 to 2835, causing a translational frameshift with a predicted alternate stop codon (p.I944Rfs*3). This variant is considered to be rare based on population cohorts in the Genome Aggregation Database (gnomAD). This alteration is expected to result in loss of function by premature protein truncation or nonsense-mediated mRNA decay. As such, this alteration is interpreted as a disease-causing mutation.

Labcorp Genetics (formerly Invitae), Labcorp
Classification: Pathogenic for Hereditary nonpolyposis colorectal neoplasms. Last evaluated: 2025-05-23. Review status: criteria provided, single submitter. Criteria: Invitae Variant Classification Sherloc (09022015). Collection method: clinical testing. Allele origin: germline.
Comment: This sequence change creates a premature translational stop signal (p.Ile944Argfs*3) in the MSH6 gene. It is expected to result in an absent or disrupted protein product. Loss-of-function variants in MSH6 are known to be pathogenic (PMID: 18269114, 24362816). This variant is not present in population databases (gnomAD no frequency). This variant has not been reported in the literature in individuals affected with MSH6-related conditions. ClinVar contains an entry for this variant (Variation ID: 1796595). For these reasons, this variant has been classified as Pathogenic.

Mayo Clinic Laboratories, Mayo Clinic
Classification: Likely pathogenic. Last evaluated: 2024-07-23. Review status: criteria provided, single submitter. Criteria: ACMG Guidelines, 2015. Collection method: clinical testing. Allele origin: germline. Observed: 1 variant allele.
Comment: PM2, PVS1

Myriad Genetics, Inc.
Classification: Pathogenic for Lynch syndrome 5. Last evaluated: 2023-08-21. Review status: criteria provided, single submitter. Criteria: Myriad Autosomal Dominant, Autosomal Recessive and X-Linked Classification Criteria (2023). Collection method: clinical testing. Allele origin: unknown.
Comment: This variant is considered pathogenic. This variant creates a frameshift predicted to result in premature protein truncation.

Literature cited by the submitters: PubMed 18269114 (cited by Labcorp Genetics (formerly Invitae), Labcorp); PubMed 24362816 (cited by Labcorp Genetics (formerly Invitae), Labcorp).

NM_000179.3(MSH6):c.2831_2835del (p.Ile944fs)

Gene: MSH6 (mutS homolog 6; plus strand). Cytogenetic location: 2p16.3.
Variant type: Deletion.
Coding change: c.2831_2835del on transcript NM_000179.3 (MANE Select); coding-DNA positions 2831 to 2835, 5 bases deleted (TAAGA; older notation c.2831_2835delTAAGA).
Protein change: p.Ile944fs; shifts the reading frame from isoleucine 944.
Molecular consequence: frameshift variant.
Genome position (GRCh38, 1-based): chr2:47,800,814-47,800,818, TAAGA deleted; deleting any 5 consecutive bases within chr2:47,800,813-47,800,818 gives the same sequence; the c. name uses the placement nearest the transcript's 3' end. VCF-style (leftmost placement, unchanged base first): chr2-47800812-CATAAG-C. GRCh37 (hg19) VCF-style: chr2-48027951-CATAAG-C.
Other names: p.Ile944Argfs*3; c.2831_2835delTAAGA, p.Ile944Argfs (NM_000179.2, NM_001406796.1, NM_001406798.1 and 3 more transcripts); c.2441_2445del, p.Ile814fs (NM_001281492.2); c.1925_1929del, p.Ile642fs (NM_001281493.2, NM_001281494.2); c.2927_2931delTAAGA, p.Ile976Argfs (NM_001406795.1, NM_001406802.1); c.2534_2538delTAAGA, p.Ile845Argfs (NM_001406797.1, NM_001406801.1, NM_001406805.1 and 10 more transcripts); c.2306_2310delTAAGA, p.Ile769Argfs (NM_001406799.1, NM_001406806.1, NM_001406807.1); c.2753_2757delTAAGA, p.Ile918Argfs (NM_001406804.1); and 5 more; short protein forms I944fs, I814fs, I642fs.
Identifiers: ClinVar variation 1796595 (VCV001796595.6), dbSNP rs2530695968, ClinGen allele CA2580068080.
Genomic context (GRCh38, chr2:47,800,812, plus strand): 5'-GACTGGACTTATTACTCCCAAAGCAGGCTTTGACTCTGATTATGACCAAGCTCTTGCTGA[CATAAG>C]AGAAAATGAACAGAGCCTCCTGGAATACCTAGAGAAACAGCGCAACAGAATTGGCTGTAG-3'